The following is an entry in ClinVar:

NM_130839.5(UBE3A):c.20+473G>A

Genes: SNHG14 (small nucleolar RNA host gene 14; plus strand), UBE3A (ubiquitin protein ligase E3A; minus strand). Cytogenetic location: 15q11.2.
Variant type: single nucleotide variant.
Coding change: c.20+473G>A on transcript NM_130839.5 (MANE Select); 473 bases into the intron after coding-DNA position 20, G replaced by A.
Molecular consequence: intron variant. On other transcripts: 5 prime UTR variant (2).
Genome position (GRCh38, 1-based): chr15:25,408,615, C>T on the plus strand (G>A on the coding strand, the complement: UBE3A is on the minus strand). VCF-style: chr15-25408615-C-T. GRCh37 (hg19) VCF-style: chr15-25653762-C-T.
Other names: NC_000015.9:g.25653762C>T; c.-280G>A (NM_001354509.2); c.-1589G>A (NM_001374461.1); c.-116+29874G>A (NM_001354546.2); c.-40-3113G>A (NM_001354551.2, NM_001354549.2, NM_001354548.2 and 2 more transcripts); c.20+473G>A (NM_001354550.2, NM_001354545.2, NM_001354538.2 and 1 more transcripts); c.-154+473G>A (NM_001354523.2); c.-112+473G>A (NM_001354539.2); and 9 more.
Identifiers: ClinVar variation 807194 (VCV000807194.45), dbSNP rs759994828, ClinGen allele CA7435743.
Genomic context (GRCh38, chr15:25,408,615, plus strand): 5'-GATCACAAAACACCCACTAATCTGAATACTGCAGCATGAGCTAGCAAATTCAAATGGTGG[C>T]TCACTTCCAATAACACTGGTGCAGCTTCTCCATCCTGCAAGCCACTCCTTTTACCTCCAC-3'

ClinVar aggregate classification (germline): Conflicting classifications of pathogenicity. Review status: criteria provided, conflicting classifications (1 of 4 stars). 3 submissions from 3 submitters: Uncertain significance (1); Likely benign (2). Last evaluated 2024-12-08.

Conditions:
UBE3A-related disorder. Also called: UBE3A-related condition.

Allele frequency attached by ClinVar (database versions not stated): TOPMed 0.00002; gnomAD exomes 0.00004 and 0.00008; gnomAD 0.00005; ExAC 0.00009.
gnomAD v4.1: 63 of 1,613,758 alleles (0.0039%); highest among the groups gnomAD compares: Non-Finnish European, 0.0041%; no homozygotes.

Submissions (4):

PreventionGenetics, part of Exact Sciences
Classification: Likely benign for UBE3A-related condition. Last evaluated: 2024-12-08. Review status: criteria provided, single submitter. Criteria: ACMG Guidelines, 2015. Collection method: clinical testing. Allele origin: germline.
Comment: This variant is classified as likely benign based on ACMG/AMP sequence variant interpretation guidelines (Richards et al. 2015 PMID: 25741868, with internal and published modifications).

Blueprint Genetics
Classification: Likely benign. Last evaluated: 2023-07-10. Review status: criteria provided, single submitter. Criteria: ACMG Guidelines, 2015. Collection method: clinical testing. Allele origin: germline.

CeGaT Center for Human Genetics Tuebingen
Classification: Uncertain significance. Last evaluated: 2021-10-01. Review status: criteria provided, single submitter. Criteria: CeGaT Center For Human Genetics Tuebingen Variant Classification Criteria Version 2. Collection method: clinical testing. Allele origin: germline. Affected: yes. Observed: 4 variant alleles.

Dr. Peter K. Rogan Lab, Western University
No classification provided (evidence only). Condition: Thyroid cancer, nonmedullary, 1. Review status: no classification provided. Collection method: in vitro. Allele origin: not applicable. Functional consequence: retained intron. Not counted in ClinVar's aggregate classification.